The following is an entry in ClinVar:

ClinVar aggregate classification (germline): Conflicting classifications of pathogenicity. Review status: criteria provided, conflicting classifications (1 of 4 stars). 5 submissions from 5 submitters: Uncertain significance (4); Likely benign (1). Last evaluated 2025-08-24.

Conditions:
Hereditary cancer-predisposing syndrome. Also called: Tumor predisposition; Hereditary Cancer Syndrome; Neoplastic Syndromes, Hereditary; Hereditary neoplastic syndrome. Identifiers: Orphanet 140162, MedGen C0027672, MeSH D009386, MONDO:0015356.
Multiple endocrine neoplasia, type 2 (MEN2). Identifiers: Orphanet 653, MedGen C4048306, MONDO:0019003. Disease mechanism: gain of function.
Hirschsprung disease, susceptibility to, 1 (HSCR1). Also called: RET-Related Hirschsprung Disease. Identifiers: Orphanet 388, MedGen C3888239, MONDO:0007723, OMIM 142623.

Allele frequency attached by ClinVar (database versions not stated): TOPMed below 0.00001; gnomAD exomes 0.00001.
gnomAD v4.1: 3 of 1,614,244 alleles (0.00019%); highest among the groups gnomAD compares: Admixed American, 0.005%; no homozygotes.

Submissions (5):

Labcorp Genetics (formerly Invitae), Labcorp
Classification: Uncertain significance for Multiple endocrine neoplasia, type 2. Last evaluated: 2025-08-24. Review status: criteria provided, single submitter. Criteria: Invitae Variant Classification Sherloc (09022015). Collection method: clinical testing. Allele origin: germline.
Comment: This sequence change replaces serine, which is neutral and polar, with proline, which is neutral and non-polar, at codon 1102 of the RET protein (p.Ser1102Pro). This variant is present in population databases (no rsID available, gnomAD 0.009%). This variant has not been reported in the literature in individuals affected with RET-related conditions. ClinVar contains an entry for this variant (Variation ID: 823518). An algorithm developed to predict the effect of missense changes on protein structure and function (PolyPhen-2) suggests that this variant is likely to be disruptive. In summary, the available evidence is currently insufficient to determine the role of this variant in disease. Therefore, it has been classified as a Variant of Uncertain Significance.

Quest Diagnostics Nichols Institute San Juan Capistrano
Classification: Uncertain significance. Last evaluated: 2025-04-03. Review status: criteria provided, single submitter. Criteria: Quest Diagnostics criteria. Collection method: clinical testing. Allele origin: unknown.

All of Us Research Program, National Institutes of Health
Classification: Uncertain significance for Multiple endocrine neoplasia, type 2. Last evaluated: 2024-07-29. Review status: criteria provided, single submitter. Criteria: ACMG Guidelines, 2015. Collection method: clinical testing. Allele origin: germline. Inheritance: Autosomal dominant inheritance. Observed: 4 variant alleles, 4 heterozygotes.
Comment: This missense variant replaces serine with proline at codon 1102 of the RET protein. Computational prediction suggests that this variant may not impact protein structure and function (internally defined REVEL score threshold <= 0.5, PMID: 27666373). To our knowledge, functional studies have not been reported for this variant. This variant has not been reported in individuals affected with hereditary cancer in the literature. This variant has been identified in 3/251496 chromosomes in the general population by the Genome Aggregation Database (gnomAD). The available evidence is insufficient to determine the role of this variant in disease conclusively. Therefore, this variant is classified as a Variant of Uncertain Significance.

This study involves interpretation of variants in research participants for the purpose of population health screening. Participant phenotype was not available at the time of variant classification. Additional details can be found in publication PMID: 35346344, PMCID: PMC8962531

Baylor Genetics
Classification: Uncertain significance for Hirschsprung disease, susceptibility to, 1. Last evaluated: 2023-11-17. Review status: criteria provided, single submitter. Criteria: ACMG Guidelines, 2015. Collection method: clinical testing. Allele origin: unknown.

Ambry Genetics
Classification: Likely benign for Hereditary cancer-predisposing syndrome. Last evaluated: 2023-07-11. Review status: criteria provided, single submitter. Criteria: Ambry Variant Classification Scheme 2023. Collection method: clinical testing. Allele origin: germline.

NM_020975.6(RET):c.3304T>C (p.Ser1102Pro)

Gene: RET (ret proto-oncogene; plus strand). Cytogenetic location: 10q11.21.
Variant type: single nucleotide variant.
Coding change: c.3304T>C on transcript NM_020975.6 (MANE Select); coding-DNA position 3304, T replaced by C.
Protein change: p.Ser1102Pro; replaces serine 1102 with proline.
Molecular consequence: missense variant.
Genome position (GRCh38, 1-based): chr10:43,128,228, T>C. VCF-style: chr10-43128228-T-C. GRCh37 (hg19) VCF-style: chr10-43623676-T-C.
Other names: short protein forms S1102P.
Identifiers: ClinVar variation 823518 (VCV000823518.19), dbSNP rs1305555370, ClinGen allele CA376559230.